The following is an entry in ClinVar:

NM_022725.4(FANCF):c.236G>T (p.Gly79Val)

Gene: FANCF (FA complementation group F; minus strand). Cytogenetic location: 11p14.3.
Variant type: single nucleotide variant.
Coding change: c.236G>T on transcript NM_022725.4 (MANE Select); coding-DNA position 236, G replaced by T.
Protein change: p.Gly79Val; replaces glycine 79 with valine.
Molecular consequence: missense variant.
Genome position (GRCh38, 1-based): chr11:22,625,575, C>A on the plus strand (G>T on the coding strand, the complement: FANCF is on the minus strand). VCF-style: chr11-22625575-C-A. GRCh37 (hg19) VCF-style: chr11-22647121-C-A.
Other names: short protein forms G79V.
Identifiers: ClinVar variation 4708649 (VCV004708649.1).

ClinVar aggregate classification (germline): Uncertain significance (1 of 4 stars; one submission).

Conditions:
Fanconi anemia (FA). Also called: Fanconi's anemia. Identifiers: Orphanet 84, MedGen C0015625, MeSH D005199, MONDO:0019391.

Submission:

Labcorp Genetics (formerly Invitae), Labcorp
Classification: Uncertain significance for Fanconi anemia. Last evaluated: 2025-04-22. Review status: criteria provided, single submitter. Criteria: Invitae Variant Classification Sherloc (09022015). Collection method: clinical testing. Allele origin: germline.
Comment: This sequence change replaces glycine, which is neutral and non-polar, with valine, which is neutral and non-polar, at codon 79 of the FANCF protein (p.Gly79Val). This variant is present in population databases (no rsID available, gnomAD 0.0009%). This variant has not been reported in the literature in individuals affected with FANCF-related conditions. Invitae Evidence Modeling of protein sequence and biophysical properties (such as structural, functional, and spatial information, amino acid conservation, physicochemical variation, residue mobility, and thermodynamic stability) has been performed for this missense variant. However, the output from this modeling did not meet the statistical confidence thresholds required to predict the impact of this variant on FANCF protein function. In summary, the available evidence is currently insufficient to determine the role of this variant in disease. Therefore, it has been classified as a Variant of Uncertain Significance.